The following is an entry in ClinVar:

ClinVar aggregate classification (germline): Likely benign (1 of 4 stars; one submission).

Allele frequency attached by ClinVar (database versions not stated): 1000 Genomes Project 0.00160; 1000 Genomes Project 30x 0.00172; ExAC 0.00515; TOPMed 0.00523; gnomAD 0.00532; ESP Exome Variant Server 0.00646; gnomAD exomes 0.00690.
gnomAD v4.1: 10,917 of 1,612,492 alleles (0.68%); highest among the groups gnomAD compares: Middle Eastern, 0.89%; 38 homozygotes.

Submission:

CeGaT Center for Human Genetics Tuebingen
Classification: Likely benign. Last evaluated: 2026-08-01. Review status: criteria provided, single submitter. Criteria: CeGaT Center For Human Genetics Tuebingen Variant Classification Criteria Version 2. Collection method: clinical testing. Allele origin: germline. Affected: yes. Observed: 5 variant alleles.
Comment: LTBP2: BS2

NM_000428.3(LTBP2):c.3278-23G>A

Gene: LTBP2 (latent transforming growth factor beta binding protein 2; minus strand). Cytogenetic location: 14q24.3.
Variant type: single nucleotide variant.
Coding change: c.3278-23G>A on transcript NM_000428.3 (MANE Select); 23 bases into the intron before coding-DNA position 3278, G replaced by A.
Molecular consequence: intron variant.
Genome position (GRCh38, 1-based): chr14:74,509,386, C>T on the plus strand (G>A on the coding strand, the complement: LTBP2 is on the minus strand). VCF-style: chr14-74509386-C-T. GRCh37 (hg19) VCF-style: chr14-74976089-C-T.
Identifiers: ClinVar variation 2644369 (VCV002644369.24), dbSNP rs186033095, ClinGen allele CA7269231.